The following is an entry in ClinVar:

ClinVar aggregate classification (germline): Benign/Likely benign. Review status: criteria provided, multiple submitters, no conflicts (2 of 4 stars). 6 submissions from 6 submitters: Benign (2); Likely benign (4). Last evaluated 2025-09-19.

Conditions:
Inborn genetic diseases. Identifiers: MedGen C0950123, MeSH D030342.
Seizures, benign familial infantile, 3 (BFIS3). Also called: CONVULSIONS, BENIGN FAMILIAL INFANTILE, 3; Familial neonatal seizures. Identifiers: Orphanet 140927, Orphanet 306, MedGen C1843140, MONDO:0011904, OMIM 607745.
Developmental and epileptic encephalopathy, 11 (DEE11). Also called: Early infantile epileptic encephalopathy 11. Identifiers: Orphanet 1934, MedGen C3150987, MONDO:0013388, OMIM 613721.

Allele frequency attached by ClinVar (database versions not stated): gnomAD exomes 0.00009 and 0.00022; gnomAD 0.00010; TOPMed 0.00013; ExAC 0.00015; ESP Exome Variant Server 0.00038.
gnomAD v4.1: 329 of 1,613,934 alleles (0.02%); highest among the groups gnomAD compares: Non-Finnish European, 0.027%; no homozygotes.

Submissions (6):

Ambry Genetics
Classification: Likely benign for Inborn genetic diseases. Last evaluated: 2025-09-19. Review status: criteria provided, single submitter. Criteria: Ambry Variant Classification Scheme 2023. Collection method: clinical testing. Allele origin: germline.

Labcorp Genetics (formerly Invitae), Labcorp
Classification: Likely benign for Seizures, benign familial infantile, 3; Developmental and epileptic encephalopathy, 11. Last evaluated: 2025-07-08. Review status: criteria provided, single submitter. Criteria: Invitae Variant Classification Sherloc (09022015). Collection method: clinical testing. Allele origin: germline.

Blueprint Genetics
Classification: Likely benign. Last evaluated: 2024-01-11. Review status: criteria provided, single submitter. Criteria: ACMG Guidelines, 2015. Collection method: clinical testing. Allele origin: germline.

CeGaT Center for Human Genetics Tuebingen
Classification: Likely benign. Last evaluated: 2023-03-01. Review status: criteria provided, single submitter. Criteria: CeGaT Center For Human Genetics Tuebingen Variant Classification Criteria Version 2. Collection method: clinical testing. Allele origin: germline. Affected: yes. Observed: 2 variant alleles.
Comment: SCN2A: BP4

Illumina Laboratory Services, Illumina
Classification: Benign for Seizures, benign familial infantile, 3. Last evaluated: 2018-01-12. Review status: criteria provided, single submitter. Criteria: ICSL Variant Classification Criteria 13 December 2019. Collection method: clinical testing. Allele origin: germline.
Comment: This variant was observed in the ICSL laboratory as part of a predisposition screen in an ostensibly healthy population. It had not been previously curated by ICSL or reported in the Human Gene Mutation Database (HGMD: prior to June 1st, 2018), and was therefore a candidate for classification through an automated scoring system. Utilizing variant allele frequency, disease prevalence and penetrance estimates, and inheritance mode, an automated score was calculated to assess if this variant is too frequent to cause the disease. Based on the score and internal cut-off values, a variant classified as benign is not then subjected to further curation. The score for this variant resulted in a classification of benign for this disease.

GeneDx
Classification: Benign. Last evaluated: 2015-07-14. Review status: criteria provided, single submitter. Criteria: GeneDx Variant Classification (06012015). Collection method: clinical testing. Allele origin: germline. Affected: yes.
Comment: This variant is considered likely benign or benign based on one or more of the following criteria: it is a conservative change, it occurs at a poorly conserved position in the protein, it is predicted to be benign by multiple in silico algorithms, and/or has population frequency not consistent with disease.

NM_001040142.2(SCN2A):c.2562+5A>G

Gene: SCN2A (sodium voltage-gated channel alpha subunit 2; plus strand). Cytogenetic location: 2q24.3.
Variant type: single nucleotide variant.
Coding change: c.2562+5A>G on transcript NM_001040142.2 (MANE Select); 5 bases into the intron after coding-DNA position 2562, A replaced by G.
Molecular consequence: intron variant.
Genome position (GRCh38, 1-based): chr2:165,342,474, A>G. VCF-style: chr2-165342474-A-G. GRCh37 (hg19) VCF-style: chr2-166198984-A-G.
Other names: c.2562+5A>G (NM_001040143.2, NM_001371246.1, NM_001371247.1 and 1 more transcripts).
Identifiers: ClinVar variation 241371 (VCV000241371.59), dbSNP rs374738441, ClinGen allele CA1939989.